The following is an entry in ClinVar:

NM_025074.7(FRAS1):c.1960+1G>A

Gene: FRAS1 (Fraser extracellular matrix complex subunit 1; plus strand). Cytogenetic location: 4q21.21.
Variant type: single nucleotide variant.
Coding change: c.1960+1G>A on transcript NM_025074.7 (MANE Select); the canonical splice donor site of the intron after coding-DNA position 1960, G replaced by A.
Molecular consequence: splice donor variant.
Genome position (GRCh38, 1-based): chr4:78,317,509, G>A. VCF-style: chr4-78317509-G-A. GRCh37 (hg19) VCF-style: chr4-79238663-G-A.
Other names: c.1960+1G>A (NM_001166133.2).
Identifiers: ClinVar variation 3358620 (VCV003358620.1).

ClinVar aggregate classification (germline): Uncertain significance (0 of 4 stars; one submission).

Conditions:
FRAS1-related disorder. Also called: FRAS1-related condition.

gnomAD v4.1: 2 of 1,610,486 alleles (0.00012%); highest among the groups gnomAD compares: African/African-American, 0.0013%; no homozygotes.

Submission:

PreventionGenetics, part of Exact Sciences
Classification: Uncertain significance for FRAS1-related condition. Last evaluated: 2024-07-23. Review status: no assertion criteria provided. Collection method: clinical testing. Allele origin: germline.
Comment: The FRAS1 c.1960+1G>A variant is predicted to disrupt the GT donor site and interfere with normal splicing. Although the exact impact on splicing cannot be predicted, exon skipping would result in an inframe deletion of ~47 amino acids. To our knowledge, this variant has not been reported in the literature. This variant is reported in 0.00089% of alleles in individuals of European (Non-Finnish) descent in gnomAD. Although we suspect that this variant may be pathogenic, at this time, the clinical significance of this variant is uncertain due to the absence of conclusive functional and genetic evidence.